The following is an entry in ClinVar:

NM_000090.4(COL3A1):c.2104G>C (p.Gly702Arg)

Gene: COL3A1 (collagen type III alpha 1 chain; plus strand). Cytogenetic location: 2q32.2.
Variant type: single nucleotide variant.
Coding change: c.2104G>C on transcript NM_000090.4 (MANE Select); coding-DNA position 2104, G replaced by C.
Protein change: p.Gly702Arg; replaces glycine 702 with arginine.
Molecular consequence: missense variant.
Genome position (GRCh38, 1-based): chr2:188,999,366, G>C. VCF-style: chr2-188999366-G-C. GRCh37 (hg19) VCF-style: chr2-189864092-G-C.
Other names: p.Gly702Arg; short protein forms G702R.
Identifiers: ClinVar variation 1343347 (VCV001343347.4), dbSNP rs2153503006, ClinGen allele CA349840341.

ClinVar aggregate classification (germline): Likely pathogenic (1 of 4 stars; one submission).

Submission:

Mayo Clinic Laboratories, Mayo Clinic
Classification: Likely pathogenic. Last evaluated: 2021-07-08. Review status: criteria provided, single submitter. Criteria: ACMG Guidelines, 2015. Collection method: clinical testing. Allele origin: germline.
Comment: PM1, PM2, PM5, PP3, PP2

Literature cited by the submitters: PubMed 24922459; PubMed 25758994.